The following is an entry in ClinVar:

ClinVar aggregate classification (germline): Uncertain significance. Review status: criteria provided, multiple submitters, no conflicts (2 of 4 stars). 4 submissions from 4 submitters: Uncertain significance (4). Last evaluated 2025-07-23.

Conditions:
Inborn genetic diseases. Identifiers: MedGen C0950123, MeSH D030342.
Fanconi anemia (FA). Also called: Fanconi's anemia. Identifiers: Orphanet 84, MedGen C0015625, MeSH D005199, MONDO:0019391.

Allele frequency attached by ClinVar (database versions not stated): gnomAD 0.00001; TOPMed 0.00001.
gnomAD v4.1: 3 of 1,613,200 alleles (0.00019%); highest among the groups gnomAD compares: African/African-American, 0.0013%; no homozygotes.

Submissions (4):

Quest Diagnostics Nichols Institute San Juan Capistrano
Classification: Uncertain significance. Last evaluated: 2025-07-23. Review status: criteria provided, single submitter. Criteria: Quest Diagnostics criteria. Collection method: clinical testing. Allele origin: unknown.
Comment: The FANCM c.2881C>T (p.Leu961Phe) variant has not been reported in individuals with FANCM-related conditions in the published literature. The frequency of this variant in the general population (Genome Aggregation Database) is uninformative in the assessment of its pathogenicity. Analysis of this variant using bioinformatics tools for the prediction of the effect of amino acid changes on protein structure and function yielded predictions that this variant is benign. Based on the available information, we are unable to determine the clinical significance of this variant.

Ambry Genetics
Classification: Uncertain significance for Inborn genetic diseases. Last evaluated: 2024-11-23. Review status: criteria provided, single submitter. Criteria: Ambry Variant Classification Scheme 2023. Collection method: clinical testing. Allele origin: germline.
Comment: The p.L961F variant (also known as c.2881C>T), located in coding exon 14 of the FANCM gene, results from a C to T substitution at nucleotide position 2881. The leucine at codon 961 is replaced by phenylalanine, an amino acid with highly similar properties. This amino acid position is conserved. In addition, this alteration is predicted to be tolerated by in silico analysis. Based on the available evidence, the clinical significance of this variant remains unclear.

GeneDx
Classification: Uncertain significance. Last evaluated: 2024-03-20. Review status: criteria provided, single submitter. Criteria: GeneDx Variant Classification Process June 2021. Collection method: clinical testing. Allele origin: germline. Affected: yes.
Comment: Not observed at significant frequency in large population cohorts (gnomAD); In silico analysis supports that this missense variant does not alter protein structure/function; Has not been previously published as pathogenic or benign to our knowledge

Labcorp Genetics (formerly Invitae), Labcorp
Classification: Uncertain significance for Fanconi anemia. Last evaluated: 2023-11-27. Review status: criteria provided, single submitter. Criteria: Invitae Variant Classification Sherloc (09022015). Collection method: clinical testing. Allele origin: germline.
Comment: This sequence change replaces leucine, which is neutral and non-polar, with phenylalanine, which is neutral and non-polar, at codon 961 of the FANCM protein (p.Leu961Phe). This variant is not present in population databases (gnomAD no frequency). This variant has not been reported in the literature in individuals affected with FANCM-related conditions. ClinVar contains an entry for this variant (Variation ID: 664846). Algorithms developed to predict the effect of missense changes on protein structure and function output the following: SIFT: "Not Available"; PolyPhen-2: "Benign"; Align-GVGD: "Not Available". The phenylalanine amino acid residue is found in multiple mammalian species, which suggests that this missense change does not adversely affect protein function. In summary, the available evidence is currently insufficient to determine the role of this variant in disease. Therefore, it has been classified as a Variant of Uncertain Significance.

NM_020937.4(FANCM):c.2881C>T (p.Leu961Phe)

Gene: FANCM (FA complementation group M; plus strand). Cytogenetic location: 14q21.2.
Variant type: single nucleotide variant.
Coding change: c.2881C>T on transcript NM_020937.4 (MANE Select); coding-DNA position 2881, C replaced by T.
Protein change: p.Leu961Phe; replaces leucine 961 with phenylalanine.
Molecular consequence: missense variant.
Genome position (GRCh38, 1-based): chr14:45,175,635, C>T. VCF-style: chr14-45175635-C-T. GRCh37 (hg19) VCF-style: chr14-45644838-C-T.
Other names: c.2881C>T (LRG_502t1, NM_020937.3); c.2803C>T, p.Leu935Phe (NM_001308133.2); short protein forms L935F, L961F.
Identifiers: ClinVar variation 664846 (VCV000664846.16), dbSNP rs1319257761, ClinGen allele CA389599385.